The following is an entry in ClinVar:

ClinVar aggregate classification (germline): Uncertain significance. Review status: criteria provided, multiple submitters, no conflicts (2 of 4 stars). 3 submissions from 3 submitters: Uncertain significance (2). 1 of the submissions does not count toward it. Last evaluated 2024-03-01.

Conditions:
Inborn genetic diseases. Identifiers: MedGen C0950123, MeSH D030342.
CYP11A1-related disorder. Also called: CYP11A1-related condition.

Allele frequency attached by ClinVar (database versions not stated): ExAC 0.00008; gnomAD 0.00008; TOPMed 0.00009; 1000 Genomes Project 30x 0.00016; 1000 Genomes Project 0.00020.
gnomAD v4.1: 148 of 1,614,092 alleles (0.0092%); highest among the groups gnomAD compares: Non-Finnish European, 0.011%; no homozygotes.

Submissions (3):

Ambry Genetics
Classification: Uncertain significance for Inborn genetic diseases. Last evaluated: 2024-03-01. Review status: criteria provided, single submitter. Criteria: Ambry Variant Classification Scheme 2023. Collection method: clinical testing. Allele origin: germline.

Blueprint Genetics
Classification: Uncertain significance. Last evaluated: 2023-11-20. Review status: criteria provided, single submitter. Criteria: ACMG Guidelines, 2015. Collection method: clinical testing. Allele origin: germline.

PreventionGenetics, part of Exact Sciences
Classification: Uncertain significance for CYP11A1-related condition. Last evaluated: 2024-04-04. Review status: no assertion criteria provided. Collection method: clinical testing. Allele origin: germline. Not counted in ClinVar's aggregate classification.
Comment: The CYP11A1 c.1058G>A variant is predicted to result in the amino acid substitution p.Arg353Gln. To our knowledge, this variant has not been reported in the literature. This variant is reported in 0.0096% of alleles in individuals of Ashkenazi Jewish descent in gnomAD. Of note, a different substitution at the same codon, defined as c.1057C>T (p.Arg353Trp), was reported in the compound heterozygous state with another pathogenic variant in an individual with congenital adrenal insufficiency; and the functional study showed that the p.Arg353Trp change resulted in markedly reduced enzymatic activity, suggesting this highly conserved residue is a crucial amino acid for the enzymatic activity (Katsumata et al. 2002. PubMed ID: 12161514). Although we suspect the c.1058G>A (p.Arg353Gln) variant is also pathogenic, at this time, the clinical significance of this variant is uncertain due to the absence of conclusive functional and genetic evidence.

NM_000781.3(CYP11A1):c.1058G>A (p.Arg353Gln)

Gene: CYP11A1 (cytochrome P450 family 11 subfamily A member 1; minus strand). Cytogenetic location: 15q24.1.
Variant type: single nucleotide variant.
Coding change: c.1058G>A on transcript NM_000781.3 (MANE Select); coding-DNA position 1058, G replaced by A.
Protein change: p.Arg353Gln; replaces arginine 353 with glutamine.
Molecular consequence: missense variant.
Genome position (GRCh38, 1-based): chr15:74,339,686, C>T on the plus strand (G>A on the coding strand, the complement: CYP11A1 is on the minus strand). VCF-style: chr15-74339686-C-T. GRCh37 (hg19) VCF-style: chr15-74632027-C-T.
Other names: c.584G>A, p.Arg195Gln (NM_001099773.2); short protein forms R195Q, R353Q.
Identifiers: ClinVar variation 3079351 (VCV003079351.3), dbSNP rs202246326, ClinGen allele CA7656381.